The following is an entry in ClinVar:

NM_015450.3(POT1):c.1124_1127del (p.Phe375fs)

Gene: POT1 (protection of telomeres 1; minus strand). Cytogenetic location: 7q31.33.
Variant type: Deletion.
Coding change: c.1124_1127del on transcript NM_015450.3 (MANE Select); coding-DNA positions 1124 to 1127, 4 bases deleted (TTCA; older notation c.1124_1127delTTCA).
Protein change: p.Phe375fs; shifts the reading frame from phenylalanine 375.
Molecular consequence: frameshift variant. On other transcripts: non-coding transcript variant (3).
Genome position (GRCh38, 1-based): chr7:124,842,843-124,842,846, TGAA deleted on the plus strand (TTCA on the coding strand, the reverse complement: POT1 is on the minus strand). VCF-style (leftmost placement, unchanged base first): chr7-124842842-CTGAA-C. GRCh37 (hg19) VCF-style: chr7-124482896-CTGAA-C.
Other names: c.731_734del, p.Phe244fs (NM_001042594.2); short protein forms F375fs, F244fs.
Identifiers: ClinVar variation 4141947 (VCV004141947.1).

ClinVar aggregate classification (germline): Pathogenic (1 of 4 stars; one submission).

Conditions:
Hereditary cancer-predisposing syndrome. Also called: Hereditary neoplastic syndrome; Neoplastic Syndromes, Hereditary; Tumor predisposition; Hereditary Cancer Syndrome. Identifiers: Orphanet 140162, MedGen C0027672, MeSH D009386, MONDO:0015356.

Submission:

Ambry Genetics
Classification: Pathogenic for Hereditary cancer-predisposing syndrome. Last evaluated: 2025-08-21. Review status: criteria provided, single submitter. Criteria: Ambry Variant Classification Scheme 2023. Collection method: clinical testing. Allele origin: germline.
Comment: The c.1124_1127delTTCA pathogenic mutation, located in coding exon 9 of the POT1 gene, results from a deletion of 4 nucleotides at nucleotide positions 1124 to 1127, causing a translational frameshift with a predicted alternate stop codon (p.F375Cfs*24). This variant is considered to be rare based on population cohorts in the Genome Aggregation Database (gnomAD). This alteration is expected to result in loss of function by premature protein truncation or nonsense-mediated mRNA decay. As such, this alteration is interpreted as a disease-causing mutation.